The following is an entry in ClinVar:

NM_032043.3(BRIP1):c.2905+4T>C

Gene: BRIP1 (BRCA1 interacting DNA helicase 1; minus strand). Cytogenetic location: 17q23.2.
Variant type: single nucleotide variant.
Coding change: c.2905+4T>C on transcript NM_032043.3 (MANE Select); 4 bases into the intron after coding-DNA position 2905, T replaced by C.
Molecular consequence: intron variant.
Genome position (GRCh38, 1-based): chr17:61,685,832, A>G on the plus strand (T>C on the coding strand, the complement: BRIP1 is on the minus strand). VCF-style: chr17-61685832-A-G. GRCh37 (hg19) VCF-style: chr17-59763193-A-G.
Identifiers: ClinVar variation 481621 (VCV000481621.25), dbSNP rs373835270, ClinGen allele CA8690444.

ClinVar aggregate classification (germline): Conflicting classifications of pathogenicity. Review status: criteria provided, conflicting classifications (1 of 4 stars). 5 submissions from 5 submitters: Uncertain significance (3); Likely benign (2). Last evaluated 2026-01-12.

Conditions:
Familial ovarian cancer. Identifiers: MedGen C5679802, MONDO:0016248.
Hereditary cancer-predisposing syndrome. Also called: Hereditary neoplastic syndrome; Neoplastic Syndromes, Hereditary; Tumor predisposition; Hereditary Cancer Syndrome. Identifiers: Orphanet 140162, MedGen C0027672, MeSH D009386, MONDO:0015356.
Fanconi anemia complementation group J. Also called: BRIP1-Related Fanconi Anemia. Identifiers: Orphanet 84, MedGen C1836860, MONDO:0012187, OMIM 609054.
Familial cancer of breast. Also called: BREAST CANCER, FAMILIAL; Hereditary breast cancer; hereditary breast carcinoma. Identifiers: Orphanet 227535, MedGen C0346153, MONDO:0016419, OMIM 114480. Disease mechanism: loss of function.

Allele frequency attached by ClinVar (database versions not stated): gnomAD exomes below 0.00001; ExAC 0.00001; TOPMed 0.00001; gnomAD 0.00002; ESP Exome Variant Server 0.00008.
gnomAD v4.1: 6 of 1,602,882 alleles (0.00037%); highest among the groups gnomAD compares: Non-Finnish European, 0.00043%; no homozygotes.

Submissions (5):

Labcorp Genetics (formerly Invitae), Labcorp
Classification: Likely benign for Familial cancer of breast; Fanconi anemia complementation group J. Last evaluated: 2026-01-12. Review status: criteria provided, single submitter. Criteria: Invitae Variant Classification Sherloc (09022015). Collection method: clinical testing. Allele origin: germline.

Molecular Pathology, Peter Maccallum Cancer Centre
Classification: Uncertain significance for Familial ovarian cancer. Last evaluated: 2024-07-23. Review status: criteria provided, single submitter. Criteria: ACMG Guidelines, 2015. Collection method: clinical testing. Allele origin: germline. Inheritance: Autosomal dominant inheritance.

Color Diagnostics, LLC DBA Color Health
Classification: Uncertain significance for Hereditary cancer-predisposing syndrome. Last evaluated: 2024-04-09. Review status: criteria provided, single submitter. Criteria: ACMG Guidelines, 2015. Collection method: clinical testing. Allele origin: germline.
Comment: This variant causes an T>C nucleotide substitution at the +4 position of intron 19 of the BRIP1 gene. Splice site prediction tools are inconclusive regarding the impact of this variant on RNA splicing. To our knowledge, RNA studies have not been performed for this variant. This variant has not been reported in individuals affected with hereditary cancer in the literature. This variant has been identified in 2/280098 chromosomes in the general population by the Genome Aggregation Database (gnomAD). The available evidence is insufficient to determine the role of this variant in disease conclusively. Therefore, this variant is classified as a Variant of Uncertain Significance.

GeneDx
Classification: Uncertain significance. Last evaluated: 2023-06-27. Review status: criteria provided, single submitter. Criteria: GeneDx Variant Classification Process June 2021. Collection method: clinical testing. Allele origin: germline. Affected: yes.
Comment: Not observed at a significant frequency in large population cohorts (gnomAD); In silico analysis supports that this variant does not alter splicing; Has not been previously published as pathogenic or benign to our knowledge

Ambry Genetics
Classification: Likely benign for Hereditary cancer-predisposing syndrome. Last evaluated: 2023-06-02. Review status: criteria provided, single submitter. Criteria: Ambry Variant Classification Scheme 2023. Collection method: clinical testing. Allele origin: germline.